The following is an entry in ClinVar:

NM_020754.4(ARHGAP31):c.1847G>A (p.Arg616Gln)

Gene: ARHGAP31 (Rho GTPase activating protein 31; plus strand). Cytogenetic location: 3q13.33.
Variant type: single nucleotide variant.
Coding change: c.1847G>A on transcript NM_020754.4 (MANE Select); coding-DNA position 1847, G replaced by A.
Protein change: p.Arg616Gln; replaces arginine 616 with glutamine.
Molecular consequence: missense variant.
Genome position (GRCh38, 1-based): chr3:119,409,697, G>A. VCF-style: chr3-119409697-G-A. GRCh37 (hg19) VCF-style: chr3-119128544-G-A.
Other names: short protein forms R616Q.
Identifiers: ClinVar variation 2577133 (VCV002577133.1), dbSNP rs781677416, ClinGen allele CA2553915.

ClinVar aggregate classification (germline): Uncertain significance (1 of 4 stars; one submission).

Allele frequency attached by ClinVar (database versions not stated): TOPMed below 0.00001; gnomAD exomes 0.00001; ExAC 0.00003.

Submission:

Women's Health and Genetics/Laboratory Corporation of America, LabCorp
Classification: Uncertain significance. Last evaluated: 2023-07-20. Review status: criteria provided, single submitter. Criteria: LabCorp Variant Classification Summary - May 2015. Collection method: clinical testing. Allele origin: germline.
Comment: Variant summary: ARHGAP31 c.1847G>A (p.Arg616Gln) results in a conservative amino acid change in the encoded protein sequence. Five of five in-silico tools predict a benign effect of the variant on protein function. The variant allele was found at a frequency of 1.7e-05 in 241060 control chromosomes (gnomAD). The available data on variant occurrences in the general population are insufficient to allow any conclusion about variant significance. To our knowledge, no occurrence of c.1847G>A in individuals affected with Adams-Oliver Syndrome 1 and no experimental evidence demonstrating its impact on protein function have been reported. No submitters have cited clinical-significance assessments for this variant to ClinVar after 2014. Based on the evidence outlined above, the variant was classified as uncertain significance.